The following is an entry in ClinVar:

ClinVar aggregate classification (germline): Conflicting classifications of pathogenicity. Review status: criteria provided, conflicting classifications (1 of 4 stars). 5 submissions from 5 submitters: Uncertain significance (3); Likely benign (2). Last evaluated 2026-08-01.

Conditions:
Familial temporal lobe epilepsy 5. Identifiers: MedGen C3280730, MONDO:0013741, OMIM 614417.
Febrile seizures, familial, 11 (FEB11). Also called: CONVULSIONS, FAMILIAL FEBRILE, 11. Identifiers: MedGen C3280734, MONDO:0024566, OMIM 614418.

Allele frequency attached by ClinVar (database versions not stated): 1000 Genomes Project 30x 0.00047; gnomAD 0.00057; 1000 Genomes Project 0.00060; TOPMed 0.00080; ExAC 0.00097; ESP Exome Variant Server 0.00100.
gnomAD v4.1: 2,127 of 1,614,020 alleles (0.13%); highest among the groups gnomAD compares: Non-Finnish European, 0.16%; 6 homozygotes.

Submissions (5):

CeGaT Center for Human Genetics Tuebingen
Classification: Likely benign. Last evaluated: 2026-08-01. Review status: criteria provided, single submitter. Criteria: CeGaT Center For Human Genetics Tuebingen Variant Classification Criteria Version 2. Collection method: clinical testing. Allele origin: germline. Affected: yes. Observed: 1 variant allele.
Comment: CPA6: BP4

Labcorp Genetics (formerly Invitae), Labcorp
Classification: Likely benign for Febrile seizures, familial, 11. Last evaluated: 2026-01-15. Review status: criteria provided, single submitter. Criteria: Invitae Variant Classification Sherloc (09022015). Collection method: clinical testing. Allele origin: germline.

Illumina Laboratory Services, Illumina
Classification: Uncertain significance for Familial temporal lobe epilepsy 5. Last evaluated: 2018-01-12. Review status: criteria provided, single submitter. Criteria: ICSL Variant Classification Criteria 13 December 2019. Collection method: clinical testing. Allele origin: germline.

GeneDx
Classification: Uncertain significance. Last evaluated: 2017-09-07. Review status: criteria provided, single submitter. Criteria: GeneDx Variant Classification (06012015). Collection method: clinical testing. Allele origin: germline. Affected: yes.
Comment: The R311Q variant in the CPA6 gene has not been reported previously as a pathogenic variant, nor as a benign variant, to our knowledge. The R311Q variant is observed in 86/66722 (0.13%) alleles from individuals of non-Finnish European background in the ExAC dataset (Lek et al., 2016). The R311Q variant is a semi-conservative amino acid substitution, which may impact secondary protein structure as these residues differ in some properties. This substitution occurs at a position that is conserved across species, and in silico analysis predicts this variant is probably damaging to the protein structure/function. In addition, functional studies looking at rare CPA6 variants demonstrated that cells expressing the R311Q variant had reduced enzymatic activity compared to wild type cells (Sapio et al., 2012). We interpret R311Q as a variant of uncertain significance.

Center for Genomics, Ann and Robert H. Lurie Children's Hospital of Chicago
Classification: Uncertain significance for Febrile seizures, familial, 11; Familial temporal lobe epilepsy 5. Review status: criteria provided, single submitter. Criteria: ACMG Guidelines, 2015. Collection method: clinical testing. Allele origin: germline.
Comment: This variant has not been reported in the literature in individuals with disease and is present in 0.1% (95/68026) of European alleles in the Genome Aggregation Database. This variant is present in ClinVar (Variation ID:363605). Evolutionary conservation suggests that this variant may impact the protein; computational predictive tools suggest that this variant may not impact the protein. In vitro functional studies suggest that this variant will impact the protein (Sapio 2012 PMID:23105115). However, these studies may not accurately represent in vivo biological function. In summary, data on this variant is insufficient for disease classification. Therefore, the clinical significance of this variant is uncertain.

NM_020361.5(CPA6):c.932G>A (p.Arg311Gln)

Genes: ARFGEF1-DT (ARFGEF1 divergent transcript; plus strand), CPA6 (carboxypeptidase A6; minus strand). Cytogenetic location: 8q13.2.
Variant type: single nucleotide variant.
Coding change: c.932G>A on transcript NM_020361.5 (MANE Select); coding-DNA position 932, G replaced by A.
Protein change: p.Arg311Gln; replaces arginine 311 with glutamine.
Molecular consequence: missense variant.
Genome position (GRCh38, 1-based): chr8:67,434,147, C>T on the plus strand (G>A on the coding strand, the complement: CPA6 is on the minus strand). VCF-style: chr8-67434147-C-T. GRCh37 (hg19) VCF-style: chr8-68346382-C-T.
Other names: short protein forms R311Q.
Identifiers: ClinVar variation 363605 (VCV000363605.20), dbSNP rs143321447, ClinGen allele CA4772774.